The following is an entry in ClinVar:

ClinVar aggregate classification (germline): Uncertain significance (1 of 4 stars; one submission).

Conditions:
Cerebellar dysfunction with variable cognitive and behavioral abnormalities (CECBA). Also called: Nonprogressive cerebellar atxia with intellectual disability. Identifiers: Orphanet 314647, MedGen C3553661, MONDO:0013886, OMIM 614756.

Submission:

3billion
Classification: Uncertain significance for Cerebellar dysfunction with variable cognitive and behavioral abnormalities. Last evaluated: 2025-04-25. Review status: criteria provided, single submitter. Criteria: ACMG Guidelines, 2015. Collection method: clinical testing. Allele origin: germline. Affected: yes.
Comment: The variant is not observed in the gnomAD v4.1.0 dataset.Predicted Consequence/Location: Missense variant. In silico tool predictions suggest damaging effect of the variant on gene or gene product [REVEL: 0.76 (>=0.6, sensitivity 0.68 and specificity 0.92)]. Therefore, this variant is classified as VUS according to the recommendation of ACMG/AMP guideline.

NM_015215.4(CAMTA1):c.4615A>G (p.Lys1539Glu)

Gene: CAMTA1 (calmodulin binding transcription activator 1; plus strand). Cytogenetic location: 1p36.23.
Variant type: single nucleotide variant.
Coding change: c.4615A>G on transcript NM_015215.4 (MANE Select); coding-DNA position 4615, A replaced by G.
Protein change: p.Lys1539Glu; replaces lysine 1539 with glutamic acid.
Molecular consequence: missense variant.
Genome position (GRCh38, 1-based): chr1:7,746,089, A>G. VCF-style: chr1-7746089-A-G. GRCh37 (hg19) VCF-style: chr1-7806149-A-G.
Other names: c.4525A>G, p.Lys1509Glu (NM_001349608.2); c.4276A>G, p.Lys1426Glu (NM_001349609.2, NM_001349610.2, NM_001410737.1); c.4186A>G, p.Lys1396Glu (NM_001349612.2); c.1744A>G, p.Lys582Glu (NM_001349613.1); c.1687A>G, p.Lys563Glu (NM_001349614.1, NM_001349615.2, NM_001349616.2 and 2 more transcripts); c.1348A>G, p.Lys450Glu (NM_001349619.2, NM_001349620.1, NM_001349621.1 and 5 more transcripts); c.4204A>G, p.Lys1402Glu (NM_001410738.1); short protein forms K1396E, K1402E, K1426E, K1509E, K1539E, K450E, K563E, K582E.
Identifiers: ClinVar variation 4291977 (VCV004291977.1).